The following is an entry in ClinVar:

NM_000368.5(TSC1):c.555C>G (p.Tyr185Ter)

Gene: TSC1 (TSC complex subunit 1; minus strand). Cytogenetic location: 9q34.13.
Variant type: single nucleotide variant.
Coding change: c.555C>G on transcript NM_000368.5 (MANE Select); coding-DNA position 555, C replaced by G.
Protein change: p.Tyr185Ter; replaces tyrosine 185 with a stop codon.
Molecular consequence: nonsense.
Genome position (GRCh38, 1-based): chr9:132,921,927, G>C on the plus strand (C>G on the coding strand, the complement: TSC1 is on the minus strand). VCF-style: chr9-132921927-G-C. GRCh37 (hg19) VCF-style: chr9-135797314-G-C.
Other names: c.555C>G, p.Tyr185Ter (NM_001162426.2); c.402C>G, p.Tyr134Ter (NM_001162427.2); c.192C>G, p.Tyr64Ter (NM_001362177.2); short protein forms Y134*, Y64*, Y185*.
Identifiers: ClinVar variation 653437 (VCV000653437.6), dbSNP rs118203398, ClinGen allele CA375372744.

ClinVar aggregate classification (germline): Pathogenic (1 of 4 stars; one submission).

Conditions:
Tuberous sclerosis 1 (TSC1). Identifiers: Orphanet 805, MedGen C1854465, MONDO:0008612, OMIM 191100.

Submission:

Labcorp Genetics (formerly Invitae), Labcorp
Classification: Pathogenic for Tuberous sclerosis 1. Last evaluated: 2018-09-11. Review status: criteria provided, single submitter. Criteria: Invitae Variant Classification Sherloc (09022015). Collection method: clinical testing. Allele origin: germline.
Comment: For these reasons, this variant has been classified as Pathogenic. Loss-of-function variants in TSC1 are known to be pathogenic (PMID: 10227394, 17304050). This variant has not been reported in the literature in individuals with TSC1-related disease. This variant is not present in population databases (ExAC no frequency). This sequence change creates a premature translational stop signal (p.Tyr185*) in the TSC1 gene. It is expected to result in an absent or disrupted protein product.

Literature cited by the submitters: PubMed 10227394; PubMed 17304050.